The following is an entry in ClinVar:

NM_006031.6(PCNT):c.9274-3C>T

Gene: PCNT (pericentrin; plus strand). Cytogenetic location: 21q22.3.
Variant type: single nucleotide variant.
Coding change: c.9274-3C>T on transcript NM_006031.6 (MANE Select); 3 bases into the intron before coding-DNA position 9274, C replaced by T.
Molecular consequence: intron variant.
Genome position (GRCh38, 1-based): chr21:46,440,080, C>T. VCF-style: chr21-46440080-C-T. GRCh37 (hg19) VCF-style: chr21-47859993-C-T.
Other names: c.8683-3C>T (NM_001315529.2).
Identifiers: ClinVar variation 159690 (VCV000159690.33), dbSNP rs200348425, ClinGen allele CA173145.

ClinVar aggregate classification (germline): Benign. Review status: criteria provided, multiple submitters, no conflicts (2 of 4 stars). 9 submissions from 9 submitters: Benign (7). 2 of the submissions do not count toward it. Last evaluated 2026-02-04.

Conditions:
Microcephalic osteodysplastic primordial dwarfism type II (MOPD2). Also called: MOPD II; OSTEODYSPLASTIC PRIMORDIAL DWARFISM, TYPE II; Microcephalic osteodysplastic primordial dwarfism with tooth abnormalities. Identifiers: Orphanet 2637, MedGen C0432246, MONDO:0008872, OMIM 210720.

Allele frequency attached by ClinVar (database versions not stated): TOPMed 0.00272; gnomAD 0.00324 and 0.00242; ExAC 0.00627; 1000 Genomes Project 30x 0.00671; 1000 Genomes Project 0.00819; ESP Exome Variant Server 0.00200.
gnomAD v4.1: 6,304 of 1,614,030 alleles (0.39%); highest among the groups gnomAD compares: Middle Eastern, 3.1%; 68 homozygotes.

Submissions (21):

Labcorp Genetics (formerly Invitae), Labcorp
Classification: Benign. Last evaluated: 2026-02-04. Review status: criteria provided, single submitter. Criteria: Invitae Variant Classification Sherloc (09022015). Collection method: clinical testing. Allele origin: germline.

ARUP Laboratories, Molecular Genetics and Genomics, ARUP Laboratories
Classification: Benign for Microcephalic osteodysplastic primordial dwarfism type II. Last evaluated: 2023-09-28. Review status: criteria provided, single submitter. Criteria: ARUP Molecular Germline Variant Investigation Process 2024. Collection method: clinical testing. Allele origin: germline.

Illumina Laboratory Services, Illumina
Classification: Benign for Microcephalic osteodysplastic primordial dwarfism type II. Last evaluated: 2018-01-13. Review status: criteria provided, single submitter. Criteria: ICSL Variant Classification Criteria 13 December 2019. Collection method: clinical testing. Allele origin: germline.
Comment: This variant was observed in the ICSL laboratory as part of a predisposition screen in an ostensibly healthy population. It had not been previously curated by ICSL or reported in the Human Gene Mutation Database (HGMD: prior to June 1st, 2018), and was therefore a candidate for classification through an automated scoring system. Utilizing variant allele frequency, disease prevalence and penetrance estimates, and inheritance mode, an automated score was calculated to assess if this variant is too frequent to cause the disease. Based on the score and internal cut-off values, a variant classified as benign is not then subjected to further curation. The score for this variant resulted in a classification of benign for this disease.

GeneDx
Classification: Benign. Last evaluated: 2017-07-25. Review status: criteria provided, single submitter. Criteria: GeneDx Variant Classification (06012015). Collection method: clinical testing. Allele origin: germline. Affected: yes.
Comment: This variant is considered likely benign or benign based on one or more of the following criteria: it is a conservative change, it occurs at a poorly conserved position in the protein, it is predicted to be benign by multiple in silico algorithms, and/or has population frequency not consistent with disease.

Genetic Services Laboratory, University of Chicago
Classification: Benign. Last evaluated: 2016-01-06. Review status: criteria provided, single submitter. Criteria: ACMG Guidelines, 2015. Collection method: clinical testing. Allele origin: germline. Affected: no.

Eurofins Ntd Llc (ga)
Classification: Benign. Last evaluated: 2015-06-15. Review status: criteria provided, single submitter. Criteria: EGL Classification Definitions 2015. Collection method: clinical testing. Allele origin: germline. Observed: 1 variant allele, 1 heterozygote.

Breakthrough Genomics
Classification: Benign. Review status: criteria provided, single submitter. Criteria: ACMG Guidelines, 2015. Collection method: not provided. Allele origin: germline. Inheritance: Autosomal recessive inheritance. Affected: yes.

Clinical Genetics DNA and cytogenetics Diagnostics Lab, Erasmus MC, Erasmus Medical Center
Classification: Likely benign. Review status: no assertion criteria provided. Collection method: clinical testing. Allele origin: germline. Affected: yes. Study: VKGL Data-share Consensus. Not counted in ClinVar's aggregate classification.

Dr. Peter K. Rogan Lab, Western University
No classification provided (evidence only). Condition: Melanoma. Review status: no classification provided. Collection method: in vitro. Allele origin: not applicable. Functional consequence: retained intron. Not counted in ClinVar's aggregate classification.

Dr. Peter K. Rogan Lab, Western University
No classification provided (evidence only). Condition: Melanoma. Review status: no classification provided. Collection method: in vitro. Allele origin: not applicable. Functional consequence: retained intron. Not counted in ClinVar's aggregate classification.

Dr. Peter K. Rogan Lab, Western University
No classification provided (evidence only). Condition: Familial cancer of breast. Review status: no classification provided. Collection method: in vitro. Allele origin: not applicable. Functional consequence: retained intron. Not counted in ClinVar's aggregate classification.

Dr. Peter K. Rogan Lab, Western University
No classification provided (evidence only). Condition: Colorectal cancer. Review status: no classification provided. Collection method: in vitro. Allele origin: not applicable. Functional consequence: retained intron. Not counted in ClinVar's aggregate classification.

Dr. Peter K. Rogan Lab, Western University
No classification provided (evidence only). Condition: Cervical cancer. Review status: no classification provided. Collection method: in vitro. Allele origin: not applicable. Functional consequence: retained intron. Not counted in ClinVar's aggregate classification.

Dr. Peter K. Rogan Lab, Western University
No classification provided (evidence only). Condition: Malignant lymphoma, large B-cell, diffuse. Review status: no classification provided. Collection method: in vitro. Allele origin: not applicable. Functional consequence: retained intron. Not counted in ClinVar's aggregate classification.

Dr. Peter K. Rogan Lab, Western University
No classification provided (evidence only). Condition: Ovarian serous cystadenocarcinoma. Review status: no classification provided. Collection method: in vitro. Allele origin: not applicable. Functional consequence: retained intron. Not counted in ClinVar's aggregate classification.

Dr. Peter K. Rogan Lab, Western University
No classification provided (evidence only). Condition: Ovarian serous cystadenocarcinoma. Review status: no classification provided. Collection method: in vitro. Allele origin: not applicable. Functional consequence: retained intron. Not counted in ClinVar's aggregate classification.

Dr. Peter K. Rogan Lab, Western University
No classification provided (evidence only). Condition: Ovarian serous cystadenocarcinoma. Review status: no classification provided. Collection method: in vitro. Allele origin: not applicable. Functional consequence: retained intron. Not counted in ClinVar's aggregate classification.

Dr. Peter K. Rogan Lab, Western University
No classification provided (evidence only). Condition: Gastric cancer. Review status: no classification provided. Collection method: in vitro. Allele origin: not applicable. Functional consequence: retained intron. Not counted in ClinVar's aggregate classification.

Dr. Peter K. Rogan Lab, Western University
No classification provided (evidence only). Condition: Gastric cancer. Review status: no classification provided. Collection method: in vitro. Allele origin: not applicable. Functional consequence: retained intron. Not counted in ClinVar's aggregate classification.

Dr. Peter K. Rogan Lab, Western University
No classification provided (evidence only). Condition: Malignant tumor of esophagus. Review status: no classification provided. Collection method: in vitro. Allele origin: not applicable. Functional consequence: retained intron. Not counted in ClinVar's aggregate classification.

Laboratory of Diagnostic Genome Analysis, Leiden University Medical Center (LUMC)
Classification: Likely benign. Review status: no assertion criteria provided. Collection method: clinical testing. Allele origin: germline. Affected: yes. Study: VKGL Data-share Consensus. Not counted in ClinVar's aggregate classification.